The following is an entry in ClinVar:

NM_000448.3(RAG1):c.2396G>A (p.Cys799Tyr)

Gene: RAG1 (recombination activating 1; plus strand). Cytogenetic location: 11p12.
Variant type: single nucleotide variant.
Coding change: c.2396G>A on transcript NM_000448.3 (MANE Select); coding-DNA position 2396, G replaced by A.
Protein change: p.Cys799Tyr; replaces cysteine 799 with tyrosine.
Molecular consequence: missense variant.
Genome position (GRCh38, 1-based): chr11:36,575,700, G>A. VCF-style: chr11-36575700-G-A. GRCh37 (hg19) VCF-style: chr11-36597250-G-A.
Other names: c.2396G>A, p.Cys799Tyr (NM_001377277.1, NM_001377278.1, NM_001377279.1 and 1 more transcripts); short protein forms C799Y.
Identifiers: ClinVar variation 1485969 (VCV001485969.8), dbSNP rs2133297443, ClinGen allele CA380154625.

ClinVar aggregate classification (germline): Uncertain significance (1 of 4 stars; one submission).

Conditions:
Severe combined immunodeficiency, autosomal recessive, T cell-negative, B cell-negative, NK cell-positive. Also called: SCID, T CELL-NEGATIVE, B CELL-NEGATIVE, NK CELL-POSITIVE; SCID, AR, T-cell negative, B-cell negative, NK cell-positive; Severe combined immunodeficiency due to complete RAG1/2 deficiency. Identifiers: Orphanet 331206, MedGen C1832322, MONDO:0011086, OMIM 601457.
Combined immunodeficiency with skin granulomas. Identifiers: Orphanet 157949, MedGen C2673536, MONDO:0009306, OMIM 233650.

Allele frequency attached by ClinVar (database versions not stated): gnomAD exomes below 0.00001.

Submission:

Labcorp Genetics (formerly Invitae), Labcorp
Classification: Uncertain significance for Combined immunodeficiency with skin granulomas; Severe combined immunodeficiency, autosomal recessive, T cell-negative, B cell-negative, NK cell-positive. Last evaluated: 2025-07-20. Review status: criteria provided, single submitter. Criteria: Invitae Variant Classification Sherloc (09022015). Collection method: clinical testing. Allele origin: germline.
Comment: This sequence change replaces cysteine, which is neutral and slightly polar, with tyrosine, which is neutral and polar, at codon 799 of the RAG1 protein (p.Cys799Tyr). This variant is not present in population databases (gnomAD no frequency). This variant has not been reported in the literature in individuals affected with RAG1-related conditions. ClinVar contains an entry for this variant (Variation ID: 1485969). Invitae Evidence Modeling of protein sequence and biophysical properties (such as structural, functional, and spatial information, amino acid conservation, physicochemical variation, residue mobility, and thermodynamic stability) has been performed for this missense variant. However, the output from this modeling did not meet the statistical confidence thresholds required to predict the impact of this variant on RAG1 protein function. In summary, the available evidence is currently insufficient to determine the role of this variant in disease. Therefore, it has been classified as a Variant of Uncertain Significance.